The following is an entry in ClinVar:

ClinVar aggregate classification (germline): Uncertain significance (1 of 4 stars; one submission).

Submission:

Labcorp Genetics (formerly Invitae), Labcorp
Classification: Uncertain significance. Last evaluated: 2021-05-18. Review status: criteria provided, single submitter. Criteria: Invitae Variant Classification Sherloc (09022015). Collection method: clinical testing. Allele origin: germline.
Comment: In summary, the available evidence is currently insufficient to determine the role of this variant in disease. Therefore, it has been classified as a Variant of Uncertain Significance. Advanced modeling of protein sequence and biophysical properties (such as structural, functional, and spatial information, amino acid conservation, physicochemical variation, residue mobility, and thermodynamic stability) performed at Invitae indicates that this missense variant is expected to disrupt SI protein function. This variant has not been reported in the literature in individuals with SI-related conditions. This variant is not present in population databases (ExAC no frequency). This sequence change replaces valine with isoleucine at codon 1607 of the SI protein (p.Val1607Ile). The valine residue is highly conserved and there is a small physicochemical difference between valine and isoleucine.

NM_001041.4(SI):c.4819G>A (p.Val1607Ile)

Gene: SI (sucrase-isomaltase; minus strand). Cytogenetic location: 3q26.1.
Variant type: single nucleotide variant.
Coding change: c.4819G>A on transcript NM_001041.4 (MANE Select); coding-DNA position 4819, G replaced by A.
Protein change: p.Val1607Ile; replaces valine 1607 with isoleucine.
Molecular consequence: missense variant.
Genome position (GRCh38, 1-based): chr3:164,994,279, C>T on the plus strand (G>A on the coding strand, the complement: SI is on the minus strand). VCF-style: chr3-164994279-C-T. GRCh37 (hg19) VCF-style: chr3-164712067-C-T.
Other names: short protein forms V1607I.
Identifiers: ClinVar variation 1428142 (VCV001428142.8), dbSNP rs2108130932, ClinGen allele CA355028871.